The following is an entry in ClinVar:

ClinVar aggregate classification (germline): Likely benign. Review status: criteria provided, multiple submitters, no conflicts (2 of 4 stars). 5 submissions from 5 submitters: Likely benign (4). 1 of the submissions does not count toward it. Last evaluated 2026-08-01.

Conditions:
GLUL-related disorder. Also called: GLUL-related condition.
Congenital brain dysgenesis due to glutamine synthetase deficiency (GLND). Also called: GLUTAMINE SYNTHASE DEFICIENCY, CONGENITAL SYSTEMIC. Identifiers: Orphanet 71278, MedGen C1864910, MONDO:0012393, OMIM 610015.

Allele frequency attached by ClinVar (database versions not stated): 1000 Genomes Project 0.00220; 1000 Genomes Project 30x 0.00250; ESP Exome Variant Server 0.00269; gnomAD 0.00329 and 0.00336; ExAC 0.00362; TOPMed 0.00363; gnomAD exomes 0.00375.
gnomAD v4.1: 6,651 of 1,614,072 alleles (0.41%); highest among the groups gnomAD compares: Middle Eastern, 0.73%; 23 homozygotes.

Submissions 1 to 27 of 40:

CeGaT Center for Human Genetics Tuebingen
Classification: Likely benign. Last evaluated: 2026-08-01. Review status: criteria provided, single submitter. Criteria: CeGaT Center For Human Genetics Tuebingen Variant Classification Criteria Version 2. Collection method: clinical testing. Allele origin: germline. Affected: yes. Observed: 26 variant alleles.
Comment: GLUL: BP4, BS2

Labcorp Genetics (formerly Invitae), Labcorp
Classification: Likely benign for Congenital brain dysgenesis due to glutamine synthetase deficiency. Last evaluated: 2026-01-19. Review status: criteria provided, single submitter. Criteria: Invitae Variant Classification Sherloc (09022015). Collection method: clinical testing. Allele origin: germline.

Illumina Laboratory Services, Illumina
Classification: Likely benign for Congenital brain dysgenesis due to glutamine synthetase deficiency. Last evaluated: 2018-01-12. Review status: criteria provided, single submitter. Criteria: ICSL Variant Classification Criteria 13 December 2019. Collection method: clinical testing. Allele origin: germline.
Comment: This variant was observed in the ICSL laboratory as part of a predisposition screen in an ostensibly healthy population. It had not been previously curated by ICSL or reported in the Human Gene Mutation Database (HGMD: prior to June 1st, 2018), and was therefore a candidate for classification through an automated scoring system. Utilizing variant allele frequency, disease prevalence and penetrance estimates, and inheritance mode, an automated score was calculated to assess if this variant is too frequent to cause the disease. Based on the score and internal cut-off values, a variant classified as likely benign is not then subjected to further curation. The score for this variant resulted in a classification of likely benign for this disease.

Breakthrough Genomics
Classification: Likely benign. Review status: criteria provided, single submitter. Criteria: ACMG Guidelines, 2015. Collection method: not provided. Allele origin: germline. Inheritance: Autosomal recessive inheritance. Affected: yes.

PreventionGenetics, part of Exact Sciences
Classification: Likely benign for GLUL-related condition. Last evaluated: 2020-06-01. Review status: no assertion criteria provided. Collection method: clinical testing. Allele origin: germline. Not counted in ClinVar's aggregate classification.
Comment: This variant is classified as likely benign based on ACMG/AMP sequence variant interpretation guidelines (Richards et al. 2015 PMID: 25741868, with internal and published modifications).

Dr. Peter K. Rogan Lab, Western University
No classification provided (evidence only). Condition: Gastric cancer. Review status: no classification provided. Collection method: in vitro. Allele origin: not applicable. Functional consequence: retained intron. Not counted in ClinVar's aggregate classification.

Dr. Peter K. Rogan Lab, Western University
No classification provided (evidence only). Condition: Adrenocortical carcinoma, hereditary. Review status: no classification provided. Collection method: in vitro. Allele origin: not applicable. Functional consequence: retained intron. Not counted in ClinVar's aggregate classification.

Dr. Peter K. Rogan Lab, Western University
No classification provided (evidence only). Condition: Uveal melanoma. Review status: no classification provided. Collection method: in vitro. Allele origin: not applicable. Functional consequence: skipped exon, retained intron. Not counted in ClinVar's aggregate classification.

Dr. Peter K. Rogan Lab, Western University
No classification provided (evidence only). Condition: Malignant tumor of esophagus. Review status: no classification provided. Collection method: in vitro. Allele origin: not applicable. Functional consequence: skipped exon, retained intron. Not counted in ClinVar's aggregate classification.

Dr. Peter K. Rogan Lab, Western University
No classification provided (evidence only). Condition: Chronic lymphocytic leukemia/small lymphocytic lymphoma. Review status: no classification provided. Collection method: in vitro. Allele origin: not applicable. Functional consequence: skipped exon, retained intron. Not counted in ClinVar's aggregate classification.

Dr. Peter K. Rogan Lab, Western University
No classification provided (evidence only). Condition: Chronic lymphocytic leukemia/small lymphocytic lymphoma. Review status: no classification provided. Collection method: in vitro. Allele origin: not applicable. Functional consequence: retained intron. Not counted in ClinVar's aggregate classification.

Dr. Peter K. Rogan Lab, Western University
No classification provided (evidence only). Condition: Chronic lymphocytic leukemia/small lymphocytic lymphoma. Review status: no classification provided. Collection method: in vitro. Allele origin: not applicable. Functional consequence: retained intron. Not counted in ClinVar's aggregate classification.

Dr. Peter K. Rogan Lab, Western University
No classification provided (evidence only). Condition: Nonpapillary renal cell carcinoma. Review status: no classification provided. Collection method: in vitro. Allele origin: not applicable. Functional consequence: skipped exon, retained intron. Not counted in ClinVar's aggregate classification.

Dr. Peter K. Rogan Lab, Western University
No classification provided (evidence only). Condition: Clear cell carcinoma of kidney. Review status: no classification provided. Collection method: in vitro. Allele origin: not applicable. Functional consequence: skipped exon, retained intron. Not counted in ClinVar's aggregate classification.

Dr. Peter K. Rogan Lab, Western University
No classification provided (evidence only). Condition: Lung cancer. Review status: no classification provided. Collection method: in vitro. Allele origin: not applicable. Functional consequence: retained intron. Not counted in ClinVar's aggregate classification.

Dr. Peter K. Rogan Lab, Western University
No classification provided (evidence only). Condition: Lung cancer. Review status: no classification provided. Collection method: in vitro. Allele origin: not applicable. Functional consequence: retained intron. Not counted in ClinVar's aggregate classification.

Dr. Peter K. Rogan Lab, Western University
No classification provided (evidence only). Condition: Lung cancer. Review status: no classification provided. Collection method: in vitro. Allele origin: not applicable. Functional consequence: retained intron. Not counted in ClinVar's aggregate classification.

Dr. Peter K. Rogan Lab, Western University
No classification provided (evidence only). Condition: Lung cancer. Review status: no classification provided. Collection method: in vitro. Allele origin: not applicable. Functional consequence: skipped exon, retained intron. Not counted in ClinVar's aggregate classification.

Dr. Peter K. Rogan Lab, Western University
No classification provided (evidence only). Condition: Familial cancer of breast. Review status: no classification provided. Collection method: in vitro. Allele origin: not applicable. Functional consequence: skipped exon, retained intron. Not counted in ClinVar's aggregate classification.

Dr. Peter K. Rogan Lab, Western University
No classification provided (evidence only). Condition: Familial cancer of breast. Review status: no classification provided. Collection method: in vitro. Allele origin: not applicable. Functional consequence: retained intron. Not counted in ClinVar's aggregate classification.

Dr. Peter K. Rogan Lab, Western University
No classification provided (evidence only). Condition: Familial cancer of breast. Review status: no classification provided. Collection method: in vitro. Allele origin: not applicable. Functional consequence: skipped exon, retained intron. Not counted in ClinVar's aggregate classification.

Dr. Peter K. Rogan Lab, Western University
No classification provided (evidence only). Condition: Familial cancer of breast. Review status: no classification provided. Collection method: in vitro. Allele origin: not applicable. Functional consequence: skipped exon, retained intron. Not counted in ClinVar's aggregate classification.

Dr. Peter K. Rogan Lab, Western University
No classification provided (evidence only). Condition: Familial cancer of breast. Review status: no classification provided. Collection method: in vitro. Allele origin: not applicable. Functional consequence: retained intron. Not counted in ClinVar's aggregate classification.

Dr. Peter K. Rogan Lab, Western University
No classification provided (evidence only). Condition: Familial cancer of breast. Review status: no classification provided. Collection method: in vitro. Allele origin: not applicable. Functional consequence: retained intron. Not counted in ClinVar's aggregate classification.

Dr. Peter K. Rogan Lab, Western University
No classification provided (evidence only). Condition: Familial cancer of breast. Review status: no classification provided. Collection method: in vitro. Allele origin: not applicable. Functional consequence: skipped exon, retained intron. Not counted in ClinVar's aggregate classification.

Dr. Peter K. Rogan Lab, Western University
No classification provided (evidence only). Condition: Familial cancer of breast. Review status: no classification provided. Collection method: in vitro. Allele origin: not applicable. Functional consequence: skipped exon, retained intron. Not counted in ClinVar's aggregate classification.

Dr. Peter K. Rogan Lab, Western University
No classification provided (evidence only). Condition: Familial cancer of breast. Review status: no classification provided. Collection method: in vitro. Allele origin: not applicable. Functional consequence: retained intron. Not counted in ClinVar's aggregate classification.

NM_001033044.4(GLUL):c.603+5G>A

Genes: GLUL (glutamate-ammonia ligase; minus strand), LOC126805944 (CDK7 strongly-dependent group 2 enhancer GRCh37_chr1:182354799-182355998; plus strand). Cytogenetic location: 1q25.3.
Variant type: single nucleotide variant.
Coding change: c.603+5G>A on transcript NM_001033044.4 (MANE Select); 5 bases into the intron after coding-DNA position 603, G replaced by A.
Molecular consequence: intron variant.
Genome position (GRCh38, 1-based): chr1:182,385,755, C>T on the plus strand (G>A on the coding strand, the complement: GLUL is on the minus strand). VCF-style: chr1-182385755-C-T. GRCh37 (hg19) VCF-style: chr1-182354890-C-T.
Other names: c.603+5G>A (NM_002065.7, NM_001033056.4).
Identifiers: ClinVar variation 293945 (VCV000293945.55), dbSNP rs140378060, ClinGen allele CA1277107.
Genomic context (GRCh38, chr1:182,385,755, plus strand): 5'-TACTAGCAAAAGTCCTATGTACACCTACCTACCCTTCTTCATTGATGGATTGGAGCTATA[C>T]TTACCTGGGCAGGCATGACCTCGGCATTAGTCCCCGCAATCTTGACTCCAGCATACAAGC-3'